The following is an entry in ClinVar:

ClinVar aggregate classification (germline): Uncertain significance (1 of 4 stars; one submission).

Conditions:
Neurodevelopmental disorder with visual defects and brain anomalies. Identifiers: MedGen C5231404, MONDO:0032807, OMIM 618547.

Submission:

Wendy Chung Laboratory, Boston Children's Hospital
Classification: Uncertain significance for Neurodevelopmental disorder with visual defects and brain anomalies. Last evaluated: 2024-12-05. Review status: criteria provided, single submitter. Criteria: ACMG Guidelines, 2015. Collection method: clinical testing. Allele origin: de novo. Inheritance: Autosomal dominant inheritance. Affected: yes. Observed: 1 heterozygote.
Comment: The c.2410C>T variant has not previously been reported in the literature or ClinVar, and it is absent from population databases (gnomAD v4.1.0, TOPMed Freeze 10, All of Us). The c.2410C>T variant is located in exon 17 of this 18-exon gene and predicted to replace an evolutionarily conserved leucine amino acid with phenylalanine at position 804 [p.(Leu804Phe)] within the hexokinase large subdomain 2 of the encoded protein. At least one in silico prediction tool is in support of damaging effect for the p.(Leu804Phe) variant; however, there are no functional studies to confirm or refute these predictions. Based on available evidence this apparently de novo heterozygous c.2410C>T:p.(Leu804Phe) variant identified in HK1 in this individual is classified as Variant of Uncertain Significance (PS2_Mod + PM2_Supp + PP3).

NM_000188.3(HK1):c.2410C>T (p.Leu804Phe)

Gene: HK1 (hexokinase 1; plus strand). Cytogenetic location: 10q22.1.
Variant type: single nucleotide variant.
Coding change: c.2410C>T on transcript NM_000188.3 (MANE Select); coding-DNA position 2410, C replaced by T.
Protein change: p.Leu804Phe; replaces leucine 804 with phenylalanine.
Molecular consequence: missense variant.
Genome position (GRCh38, 1-based): chr10:69,398,629, C>T. VCF-style: chr10-69398629-C-T. GRCh37 (hg19) VCF-style: chr10-71158385-C-T.
Other names: c.2422C>T, p.Leu808Phe (NM_001322364.2, NM_001358263.1, NM_033497.3 and 1 more transcripts); c.2515C>T, p.Leu839Phe (NM_001322365.2); c.2326C>T, p.Leu776Phe (NM_001322366.1); c.2314C>T, p.Leu772Phe (NM_001322367.1); c.2407C>T, p.Leu803Phe (NM_033496.3); c.2374C>T, p.Leu792Phe (NM_033500.2); short protein forms L776F, L839F, L792F, L804F, L772F, L808F, L803F.
Identifiers: ClinVar variation 3544387 (VCV003544387.1).